The following is an entry in ClinVar:

ClinVar aggregate classification (germline): Uncertain significance (1 of 4 stars; one submission).

Conditions:
Inborn genetic diseases. Identifiers: MedGen C0950123, MeSH D030342.

Submission:

Ambry Genetics
Classification: Uncertain significance for Inborn genetic diseases. Last evaluated: 2025-10-27. Review status: criteria provided, single submitter. Criteria: Ambry Variant Classification Scheme 2023. Collection method: clinical testing. Allele origin: germline.
Comment: The p.I613F variant (also known as c.1837A>T), located in coding exon 21 of the FANCA gene, results from an A to T substitution at nucleotide position 1837. The isoleucine at codon 613 is replaced by phenylalanine, an amino acid with highly similar properties. This amino acid position is conserved. In addition, this alteration is predicted to be deleterious by in silico analysis. Based on the available evidence, the clinical significance of this variant remains unclear.

NM_000135.4(FANCA):c.1837A>T (p.Ile613Phe)

Gene: FANCA (FA complementation group A; minus strand). Cytogenetic location: 16q24.3.
Variant type: single nucleotide variant.
Coding change: c.1837A>T on transcript NM_000135.4 (MANE Select); coding-DNA position 1837, A replaced by T.
Protein change: p.Ile613Phe; replaces isoleucine 613 with phenylalanine.
Molecular consequence: missense variant.
Genome position (GRCh38, 1-based): chr16:89,775,805, T>A on the plus strand (A>T on the coding strand, the complement: FANCA is on the minus strand). VCF-style: chr16-89775805-T-A. GRCh37 (hg19) VCF-style: chr16-89842213-T-A.
Other names: c.1837A>T, p.Ile613Phe (NM_001286167.3); short protein forms I613F.
Identifiers: ClinVar variation 4619225 (VCV004619225.1).